The following is an entry in ClinVar:

ClinVar aggregate classification (germline): Uncertain significance (1 of 4 stars; one submission).

Conditions:
Developmental and epileptic encephalopathy, 23 (DEE23). Also called: Epileptic encephalopathy, early infantile, 23. Identifiers: Orphanet 411986, MedGen C4014492, MONDO:0014371, OMIM 615859.

Submission:

Labcorp Genetics (formerly Invitae), Labcorp
Classification: Uncertain significance for Developmental and epileptic encephalopathy, 23. Last evaluated: 2020-06-12. Review status: criteria provided, single submitter. Criteria: Invitae Variant Classification Sherloc (09022015). Collection method: clinical testing. Allele origin: germline.
Comment: In summary, the available evidence is currently insufficient to determine the role of this variant in disease. Therefore, it has been classified as a Variant of Uncertain Significance. Algorithms developed to predict the effect of missense changes on protein structure and function (SIFT, PolyPhen-2, Align-GVGD) all suggest that this variant is likely to be tolerated, but these predictions have not been confirmed by published functional studies and their clinical significance is uncertain. This variant has not been reported in the literature in individuals with DOCK7-related conditions. ClinVar contains an entry for this variant (Variation ID: 838048). This variant is not present in population databases (ExAC no frequency). This sequence change replaces threonine with alanine at codon 858 of the DOCK7 protein (p.Thr858Ala). The threonine residue is moderately conserved and there is a small physicochemical difference between threonine and alanine.

NM_001367561.1(DOCK7):c.2572A>G (p.Thr858Ala)

Gene: DOCK7 (dedicator of cytokinesis 7; minus strand). Cytogenetic location: 1p31.3.
Variant type: single nucleotide variant.
Coding change: c.2572A>G on transcript NM_001367561.1 (MANE Select); coding-DNA position 2572, A replaced by G.
Protein change: p.Thr858Ala; replaces threonine 858 with alanine.
Molecular consequence: missense variant.
Genome position (GRCh38, 1-based): chr1:62,555,849, T>C on the plus strand (A>G on the coding strand, the complement: DOCK7 is on the minus strand). VCF-style: chr1-62555849-T-C. GRCh37 (hg19) VCF-style: chr1-63021520-T-C.
Other names: c.2572A>G, p.Thr858Ala (NM_001271999.2, NM_001272000.2, NM_001272001.2 and 2 more transcripts); short protein forms T858A.
Identifiers: ClinVar variation 838048 (VCV000838048.12), dbSNP rs1646124279, ClinGen allele CA340623063.